The following is an entry in ClinVar:

NM_000059.4(BRCA2):c.7919_7928del (p.Lys2640fs)

Gene: BRCA2 (BRCA2 DNA repair associated; plus strand). Cytogenetic location: 13q13.1.
Variant type: Deletion.
Coding change: c.7919_7928del on transcript NM_000059.4 (MANE Select); coding-DNA positions 7919 to 7928, 10 bases deleted (AGGAATTTGC; older notation c.7919_7928delAGGAATTTGC).
Protein change: p.Lys2640fs; shifts the reading frame from lysine 2640.
Molecular consequence: frameshift variant.
Genome position (GRCh38, 1-based): chr13:32,362,636-32,362,645, AGGAATTTGC deleted. VCF-style (leftmost placement, unchanged base first): chr13-32362635-AAGGAATTTGC-A. GRCh37 (hg19) VCF-style: chr13-32936772-AAGGAATTTGC-A.
Other names: c.7919_7928delAGGAATTTGC (NM_000059.3); short protein forms K2640fs.
Identifiers: ClinVar variation 252449 (VCV000252449.10), dbSNP rs879255333, ClinGen allele CA10585936.
Genomic context (GRCh38, chr13:32,362,635, plus strand): 5'-GTTTATAATCACTATAGATGGATCATATGGAAACTGGCAGCTATGGAATGTGCCTTTCCT[AAGGAATTTGC>A]TAATAGATGCCTAAGCCCAGAAAGGGTGCTTCTTCAACTAAAATACAGGCAAGTTTAAAG-3'

ClinVar aggregate classification (germline): Pathogenic. Review status: reviewed by expert panel (3 of 4 stars). 3 submissions from 3 submitters: Pathogenic (1). 2 of the submissions do not count toward it. Last evaluated 2017-12-15.

Conditions:
Hereditary breast ovarian cancer syndrome. Also called: Hereditary breast and ovarian cancer; Breast and ovarian cancer; Hereditary breast and/or ovarian cancer syndrome; BRCA1- and BRCA2-Associated Hereditary Breast and Ovarian Cancer; Hereditary breast and ovarian cancer syndrome; Hereditary breast and ovarian cancer syndrome (HBOC). Identifiers: Orphanet 145, MedGen C0677776, MeSH D061325, MONDO:0003582. Disease mechanism: loss of function.
Breast-ovarian cancer, familial, susceptibility to, 2 (BROVCA2). Also called: BRCA2 Hereditary Breast and Ovarian Cancer. Identifiers: Orphanet 145, MedGen C2675520, MONDO:0012933, OMIM 612555. Disease mechanism: loss of function.

Submissions (3):

Evidence-based Network for the Interpretation of Germline Mutant Alleles (ENIGMA)
Classification: Pathogenic for Breast-ovarian cancer, familial, susceptibility to, 2. Last evaluated: 2017-12-15. Review status: reviewed by expert panel. Criteria: ENIGMA BRCA1/2 Classification Criteria (2017-06-29). Collection method: curation. Allele origin: germline. Study: ENIGMA.
Comment: Variant allele predicted to encode a truncated non-functional protein.

Labcorp Genetics (formerly Invitae), Labcorp
Classification: Pathogenic for Hereditary breast ovarian cancer syndrome. Last evaluated: 2024-09-04. Review status: criteria provided, single submitter. Criteria: Invitae Variant Classification Sherloc (09022015). Collection method: clinical testing. Allele origin: germline. Not counted in ClinVar's aggregate classification.
Comment: This sequence change creates a premature translational stop signal (p.Lys2640Ilefs*5) in the BRCA2 gene. It is expected to result in an absent or disrupted protein product. Loss-of-function variants in BRCA2 are known to be pathogenic (PMID: 20104584). This variant is not present in population databases (gnomAD no frequency). This variant has not been reported in the literature in individuals affected with BRCA2-related conditions. ClinVar contains an entry for this variant (Variation ID: 252449). Algorithms developed to predict the effect of sequence changes on RNA splicing suggest that this variant may disrupt the consensus splice site. For these reasons, this variant has been classified as Pathogenic.

GeneKor MSA
Classification: Pathogenic. Last evaluated: 2020-01-01. Review status: criteria provided, single submitter. Criteria: ACMG Guidelines, 2015. Collection method: clinical testing. Allele origin: germline. Not counted in ClinVar's aggregate classification.
Comment: This sequence change deletes ten bases from exon 17 of the BRCA2 mRNA (c.7919_7928delAGGAATTTGC), causing a frameshift after codon 2640 and the creation of a premature translation stop signal 5 amino acid residues later, p.(Lys2640Ilefs*5). This is expected to result in an absent or disrupted protein product. Truncating variants in BRCA2 are known to be pathogenic. The mutation database Clinvar contains entries for this variant (Variation ID: 252449).

Literature cited by the submitters: PubMed 20104584 (cited by Labcorp Genetics (formerly Invitae), Labcorp).